The following is an entry in ClinVar:

NM_000275.3(OCA2):c.1246C>T (p.Arg416Trp)

Gene: OCA2 (OCA2 melanosomal transmembrane protein; minus strand). Cytogenetic location: 15q13.1.
Variant type: single nucleotide variant.
Coding change: c.1246C>T on transcript NM_000275.3 (MANE Select); coding-DNA position 1246, C replaced by T.
Protein change: p.Arg416Trp; replaces arginine 416 with tryptophan.
Molecular consequence: missense variant.
Genome position (GRCh38, 1-based): chr15:27,985,182, G>A on the plus strand (C>T on the coding strand, the complement: OCA2 is on the minus strand). VCF-style: chr15-27985182-G-A. GRCh37 (hg19) VCF-style: chr15-28230328-G-A.
Other names: c.1174C>T, p.Arg392Trp (NM_001300984.2); short protein forms R392W, R416W.
Identifiers: ClinVar variation 1498536 (VCV001498536.9), dbSNP rs756482913, ClinGen allele CA7439104.

ClinVar aggregate classification (germline): Uncertain significance. Review status: criteria provided, multiple submitters, no conflicts (2 of 4 stars). 2 submissions from 2 submitters: Uncertain significance (2). Last evaluated 2023-11-27.

Allele frequency attached by ClinVar (database versions not stated): gnomAD 0.00001; gnomAD exomes 0.00001 and 0.00002; ExAC 0.00002; TOPMed 0.00002.
gnomAD v4.1: 19 of 1,613,570 alleles (0.0012%); highest among the groups gnomAD compares: Admixed American, 0.0033%; no homozygotes.

Submissions (2):

Labcorp Genetics (formerly Invitae), Labcorp
Classification: Uncertain significance. Last evaluated: 2023-11-27. Review status: criteria provided, single submitter. Criteria: Invitae Variant Classification Sherloc (09022015). Collection method: clinical testing. Allele origin: germline.
Comment: This sequence change replaces arginine, which is basic and polar, with tryptophan, which is neutral and slightly polar, at codon 416 of the OCA2 protein (p.Arg416Trp). This variant is present in population databases (rs756482913, gnomAD 0.009%). This variant has not been reported in the literature in individuals affected with OCA2-related conditions. ClinVar contains an entry for this variant (Variation ID: 1498536). Advanced modeling of protein sequence and biophysical properties (such as structural, functional, and spatial information, amino acid conservation, physicochemical variation, residue mobility, and thermodynamic stability) performed at Invitae indicates that this missense variant is not expected to disrupt OCA2 protein function with a negative predictive value of 80%. In summary, the available evidence is currently insufficient to determine the role of this variant in disease. Therefore, it has been classified as a Variant of Uncertain Significance.

Blueprint Genetics
Classification: Uncertain significance. Last evaluated: 2022-07-18. Review status: criteria provided, single submitter. Criteria: ACMG Guidelines, 2015. Collection method: clinical testing. Allele origin: germline.